The following is an entry in ClinVar:

ClinVar aggregate classification (germline): Uncertain significance (1 of 4 stars; one submission).

gnomAD v4.1: 10 of 1,598,004 alleles (0.00063%); highest among the groups gnomAD compares: Non-Finnish European, 0.00085%; no homozygotes.

Submission:

Women's Health and Genetics/Laboratory Corporation of America, LabCorp
Classification: Uncertain significance. Last evaluated: 2026-06-17. Review status: criteria provided, single submitter. Criteria: LabCorp Variant Classification Summary - May 2015. Collection method: clinical testing. Allele origin: germline.
Comment: Variant summary: JAK2 c.1639T>C (p.Phe547Leu) results in a non-conservative amino acid change in the encoded protein sequence. Algorithms developed to predict the effect of missense changes on protein structure and function are either unavailable or do not agree on the potential impact of this missense change. Consensus agreement among computation tools predict no significant impact on normal splicing. However, these predictions have yet to be confirmed by functional studies. The variant allele was found at a frequency of 4.1e-06 in 242506 control chromosomes. The available data on variant occurrences in the general population are insufficient to allow any conclusion about variant significance. To our knowledge, no occurrence of c.1639T>C in individuals affected with JAK2-related conditions and no experimental evidence demonstrating its impact on protein function have been reported. The following publications have been ascertained in the context of this evaluation (PMID: 27069254, FDA_ruxolitinib, 23978506, 27288519, 28120162, 28674362, 19074595, NCCN_MPN, 18055983, 17984312, 25037629). No submitters have cited clinical-significance assessments for this variant to ClinVar. Based on the evidence outlined above, the variant was classified as uncertain significance.

Literature cited by the submitters: PubMed 27288519; PubMed 28120162; PubMed 28674362; PubMed 19074595; PubMed 18055983; PubMed 17984312; PubMed 25037629; PubMed 23978506; PubMed 27069254.

NM_004972.4(JAK2):c.1639T>C (p.Phe547Leu)

Genes: INSL6 (insulin like 6; minus strand), JAK2 (Janus kinase 2; plus strand). Cytogenetic location: 9p24.1.
Variant type: single nucleotide variant.
Coding change: c.1639T>C on transcript NM_004972.4 (MANE Select); coding-DNA position 1639, T replaced by C.
Protein change: p.Phe547Leu; replaces phenylalanine 547 with leucine.
Molecular consequence: missense variant. On other transcripts: non-coding transcript variant (2).
Genome position (GRCh38, 1-based): chr9:5,070,050, T>C. VCF-style: chr9-5070050-T-C. GRCh37 (hg19) VCF-style: chr9-5070050-T-C.
Other names: c.1639T>C, p.Phe547Leu (NM_001322194.2, NM_001322195.2, NM_001322196.2); c.424T>C, p.Phe142Leu (NM_001322198.2, NM_001322199.2); c.1192T>C, p.Phe398Leu (NM_001322204.2); short protein forms F142L, F398L, F547L.
Identifiers: ClinVar variation 4887164 (VCV004887164.1).